The following is an entry in ClinVar:

NM_004385.5(VCAN):c.6557A>T (p.Asp2186Val)

Genes: VCAN (versican; plus strand), VCAN-AS1 (VCAN antisense RNA 1; minus strand). Cytogenetic location: 5q14.3.
Variant type: single nucleotide variant.
Coding change: c.6557A>T on transcript NM_004385.5 (MANE Select); coding-DNA position 6557, A replaced by T.
Protein change: p.Asp2186Val; replaces aspartic acid 2186 with valine.
Molecular consequence: missense variant. On other transcripts: intron variant (2).
Genome position (GRCh38, 1-based): chr5:83,539,560, A>T. VCF-style: chr5-83539560-A-T. GRCh37 (hg19) VCF-style: chr5-82835379-A-T.
Other names: c.3596A>T, p.Asp1199Val (NM_001164097.2); c.4004-5977A>T (NM_001164098.2); c.1043-5977A>T (NM_001126336.3); short protein forms D1199V, D2186V.
Identifiers: ClinVar variation 1524379 (VCV001524379.7), dbSNP rs748942078, ClinGen allele CA3333494.

ClinVar aggregate classification (germline): Uncertain significance. Review status: criteria provided, multiple submitters, no conflicts (2 of 4 stars). 2 submissions from 2 submitters: Uncertain significance (2). Last evaluated 2024-11-11.

Allele frequency attached by ClinVar (database versions not stated): ExAC 0.00001; gnomAD exomes 0.00002.
gnomAD v4.1: 22 of 1,614,090 alleles (0.0014%); highest among the groups gnomAD compares: Non-Finnish European, 0.0019%; no homozygotes.

Submissions (2):

Labcorp Genetics (formerly Invitae), Labcorp
Classification: Uncertain significance. Last evaluated: 2024-11-11. Review status: criteria provided, single submitter. Criteria: Invitae Variant Classification Sherloc (09022015). Collection method: clinical testing. Allele origin: germline.
Comment: This sequence change replaces aspartic acid, which is acidic and polar, with valine, which is neutral and non-polar, at codon 2186 of the VCAN protein (p.Asp2186Val). This variant is present in population databases (rs748942078, gnomAD 0.0009%). This variant has not been reported in the literature in individuals affected with VCAN-related conditions. ClinVar contains an entry for this variant (Variation ID: 1524379). An algorithm developed to predict the effect of missense changes on protein structure and function outputs the following: PolyPhen-2: "Benign". The valine amino acid residue is found in multiple mammalian species, which suggests that this missense change does not adversely affect protein function. In summary, the available evidence is currently insufficient to determine the role of this variant in disease. Therefore, it has been classified as a Variant of Uncertain Significance.

Blueprint Genetics
Classification: Uncertain significance. Last evaluated: 2021-05-24. Review status: criteria provided, single submitter. Criteria: ACMG Guidelines, 2015. Collection method: clinical testing. Allele origin: germline.